The following is an entry in ClinVar:

ClinVar aggregate classification (germline): Pathogenic (1 of 4 stars; one submission).

Conditions:
Spastic paraplegia. Identifiers: MedGen C0037772, HP:0001258.

Submission:

Labcorp Genetics (formerly Invitae), Labcorp
Classification: Pathogenic for Spastic paraplegia. Last evaluated: 2023-12-04. Review status: criteria provided, single submitter. Criteria: Invitae Variant Classification Sherloc (09022015). Collection method: clinical testing. Allele origin: germline.
Comment: This sequence change creates a premature translational stop signal (p.Val168Glyfs*72) in the FA2H gene. It is expected to result in an absent or disrupted protein product. Loss-of-function variants in FA2H are known to be pathogenic (PMID: 20853438, 25496456, 25732363, 26344562). This variant is not present in population databases (gnomAD no frequency). This premature translational stop signal has been observed in individual(s) with FA2H-related conditions (PMID: 31135052). Algorithms developed to predict the effect of sequence changes on RNA splicing suggest that this variant may disrupt the consensus splice site. For these reasons, this variant has been classified as Pathogenic.

Literature cited by the submitters: PubMed 20853438; PubMed 25496456; PubMed 25732363; PubMed 26344562; PubMed 31135052.

NM_024306.5(FA2H):c.503_506del (p.Val168fs)

Gene: FA2H (fatty acid 2-hydroxylase; minus strand). Cytogenetic location: 16q23.1.
Variant type: Deletion.
Coding change: c.503_506del on transcript NM_024306.5 (MANE Select); coding-DNA positions 503 to 506, 4 bases deleted (TCTG; older notation c.503_506delTCTG).
Protein change: p.Val168fs; shifts the reading frame from valine 168.
Molecular consequence: frameshift variant.
Genome position (GRCh38, 1-based): chr16:74,727,244-74,727,247, CAGA deleted on the plus strand (TCTG on the coding strand, the reverse complement: FA2H is on the minus strand); deleting any 4 consecutive bases within chr16:74,727,244-74,727,250 gives the same sequence; the c. name uses the placement nearest the transcript's 3' end. VCF-style (leftmost placement, unchanged base first): chr16-74727243-CCAGA-C. GRCh37 (hg19) VCF-style: chr16-74761141-CCAGA-C.
Other names: short protein forms V168fs.
Identifiers: ClinVar variation 2907496 (VCV002907496.3), dbSNP rs2544327628, ClinGen allele CA2695223696.